The following is an entry in ClinVar:

NM_001379659.1(ZNF142):c.4522C>T (p.Arg1508Ter)

Gene: ZNF142 (zinc finger protein 142; minus strand). Cytogenetic location: 2q35.
Variant type: single nucleotide variant.
Coding change: c.4522C>T on transcript NM_001379659.1 (MANE Select); coding-DNA position 4522, C replaced by T.
Protein change: p.Arg1508Ter; replaces arginine 1508 with a stop codon.
Molecular consequence: nonsense.
Genome position (GRCh38, 1-based): chr2:218,642,594, G>A on the plus strand (C>T on the coding strand, the complement: ZNF142 is on the minus strand). VCF-style: chr2-218642594-G-A. GRCh37 (hg19) VCF-style: chr2-219507317-G-A.
Other names: c.4522C>T (NM_001366290.1); c.3922C>T, p.Arg1308Ter (NM_001105537.5, NM_001366291.3, NM_001379662.1); c.3433C>T, p.Arg1145Ter (NM_001366287.3, NM_001366288.3, NM_001366289.3); c.4522C>T, p.Arg1508Ter (NM_001366290.3, NM_001379660.1, NM_001379661.1); short protein forms R1145*, R1308*, R1508*.
Identifiers: ClinVar variation 1805427 (VCV001805427.2), dbSNP rs776415431, ClinGen allele CA2108757.

ClinVar aggregate classification (germline): Likely pathogenic. Review status: criteria provided, multiple submitters, no conflicts (2 of 4 stars). 2 submissions from 2 submitters: Likely pathogenic (2). Last evaluated 2026-09-14.

Conditions:
Neurodevelopmental disorder with impaired speech and hyperkinetic movements. Identifiers: MedGen C5193088, MONDO:0032741, OMIM 618425.
ZNF142-related disorder. Also called: ZNF142-related condition.

Allele frequency attached by ClinVar (database versions not stated): ExAC 0.00001; gnomAD exomes 0.00001; TOPMed 0.00001.
gnomAD v4.1: 15 of 1,602,562 alleles (0.00094%); highest among the groups gnomAD compares: Non-Finnish European, 0.0012%; no homozygotes.

Submissions (2):

PreventionGenetics, part of Exact Sciences
Classification: Likely pathogenic for ZNF142-related condition. Last evaluated: 2026-09-14. Review status: criteria provided, single submitter. Criteria: ACMG Guidelines, 2015. Collection method: clinical testing. Allele origin: germline.
Comment: The ZNF142 c.4522C>T variant is predicted to result in premature protein termination (p.Arg1508*). To our knowledge, this variant has not been reported in the literature. This variant is reported in 0.00089% of alleles in individuals of European (Non-Finnish) descent in gnomAD. Nonsense variants in ZNF142 are expected to be pathogenic. This variant is interpreted as likely pathogenic.

Victorian Clinical Genetics Services, Murdoch Childrens Research Institute
Classification: Likely pathogenic for Neurodevelopmental disorder with impaired speech and hyperkinetic movements. Last evaluated: 2020-06-11. Review status: criteria provided, single submitter. Criteria: ACMG Guidelines, 2015. Collection method: clinical testing. Allele origin: germline. Inheritance: Autosomal recessive inheritance. Affected: no.
Comment: Based on the classification scheme VCGS_Germline_v1.3.2, this variant is classified as likely pathogenic. Following criteria are met: 0102 - Loss of function is a known mechanism of disease in this gene and is associated with neurodevelopmental disorder with impaired speech and hyperkinetic movements. (I) 0106 - This gene is associated with autosomal recessive disease. (I) 0115 - Variants in this gene are known to have variable expressivity. Patients have been reported to have variable severity of seizures, tremor, and dystonia (PMID:31036918). (I) 0202 - Variant is predicted to cause nonsense-mediated decay (NMD) and loss of protein (premature termination codon is located at least 54 nucleotides upstream of the final exon-exon junction) (exon 8 of 10), but is located in an exon that may undergo alternative splicing. (SP) 0251 - This variant is heterozygous. (I) 0304 - Variant is present in gnomAD <0.01 for a recessive condition (2 heterozygotes, 0 homozygote). (SP) 0402 - Variant is located in a gene associated with a severe early-onset recessive condition that is intolerant to bi-allelic loss of function variants (gnomAD). (SP) 0703 - Other NMD-predicted variants comparable to the one identified in this case have moderate previous evidence for pathogenicity. Four NMD-predicted variants have been reported in unrelated families with a complex neurodevelopmental disorder (PMID:31036918). The comparable variants are also located in exons that may undergo alternative splicing but are present in NM_001105537.2. (SP) 0807 - This variant has no previous evidence of pathogenicity. (I) 0905 - No published segregation evidence has been identified for this variant. (I) 1007 - No published functional evidence has been identified for this variant. (I) 1208 - Inheritance information for this variant is not currently available in this individual. (I) Legend: (SP) - Supporting pathogenic, (I) - Information, (SB) - Supporting benign

Literature cited by the submitters: PubMed 31036918 (cited by Victorian Clinical Genetics Services, Murdoch Childrens Research Institute).